The following is an entry in ClinVar:

ClinVar aggregate classification (germline): Uncertain significance (1 of 4 stars; one submission).

Conditions:
Osteogenesis imperfecta type 7 (OI7). Also called: OSTEOGENESIS IMPERFECTA, TYPE IIB; Osteogenesis imperfecta type 2B; OI type 2B; Osteogenesis imperfecta, perinatal lethal autosomal recessive; OI type IIB; OI type 7. Identifiers: MedGen C1853162, MONDO:0012536, OMIM 610682.

Allele frequency attached by ClinVar (database versions not stated): ExAC 0.00002.
gnomAD v4.1: 9 of 1,614,228 alleles (0.00056%); highest among the groups gnomAD compares: Non-Finnish European, 0.00076%; no homozygotes.

Submission:

Labcorp Genetics (formerly Invitae), Labcorp
Classification: Uncertain significance for Osteogenesis imperfecta type 7. Last evaluated: 2022-02-12. Review status: criteria provided, single submitter. Criteria: Invitae Variant Classification Sherloc (09022015). Collection method: clinical testing. Allele origin: germline.
Comment: In summary, the available evidence is currently insufficient to determine the role of this variant in disease. Therefore, it has been classified as a Variant of Uncertain Significance. Algorithms developed to predict the effect of missense changes on protein structure and function (SIFT, PolyPhen-2, Align-GVGD) all suggest that this variant is likely to be tolerated. This variant has not been reported in the literature in individuals affected with CRTAP-related conditions. This variant is present in population databases (rs781334480, gnomAD 0.004%). This sequence change replaces methionine, which is neutral and non-polar, with leucine, which is neutral and non-polar, at codon 229 of the CRTAP protein (p.Met229Leu).

NM_006371.5(CRTAP):c.685A>T (p.Met229Leu)

Gene: CRTAP (cartilage associated protein; plus strand). Cytogenetic location: 3p22.3.
Variant type: single nucleotide variant.
Coding change: c.685A>T on transcript NM_006371.5 (MANE Select); coding-DNA position 685, A replaced by T.
Protein change: p.Met229Leu; replaces methionine 229 with leucine.
Molecular consequence: missense variant.
Genome position (GRCh38, 1-based): chr3:33,124,471, A>T. VCF-style: chr3-33124471-A-T. GRCh37 (hg19) VCF-style: chr3-33165963-A-T.
Other names: c.685A>T, p.Met229Leu (NM_001393363.1, NM_001393364.1); c.535A>T, p.Met179Leu (NM_001393365.1); short protein forms M179L, M229L.
Identifiers: ClinVar variation 2141243 (VCV002141243.4), dbSNP rs781334480, ClinGen allele CA2300361.